The following is an entry in ClinVar:

NM_005529.7(HSPG2):c.4924G>A (p.Glu1642Lys)

Gene: HSPG2 (heparan sulfate proteoglycan 2; minus strand). Cytogenetic location: 1p36.12.
Variant type: single nucleotide variant.
Coding change: c.4924G>A on transcript NM_005529.7 (MANE Select); coding-DNA position 4924, G replaced by A.
Protein change: p.Glu1642Lys; replaces glutamic acid 1642 with lysine.
Molecular consequence: missense variant.
Genome position (GRCh38, 1-based): chr1:21,861,788, C>T on the plus strand (G>A on the coding strand, the complement: HSPG2 is on the minus strand). VCF-style: chr1-21861788-C-T. GRCh37 (hg19) VCF-style: chr1-22188281-C-T.
Other names: c.4927G>A, p.Glu1643Lys (NM_001291860.2); short protein forms E1642K, E1643K.
Identifiers: ClinVar variation 593103 (VCV000593103.8), dbSNP rs528077703, ClinGen allele CA672119.
Genomic context (GRCh38, chr1:21,861,788, plus strand): 5'-CCTCCCCCTACTTCTGTTTACAAACTTACTGCTCACAGTACTGGCCAGTGTAGCCGGGTT[C>T]GCAGGCCGTGCAGCGGTACCCGCCGGCTCCCAGGCTCTCACAGGTGCGGGAAAACCTGGG-3'
Protein context (NP_005520.4, residues 1632-1652): GAGGYRCTAC[Glu1642Lys]PGYTGQYCEQ

ClinVar aggregate classification (germline): Uncertain significance. Review status: criteria provided, multiple submitters, no conflicts (2 of 4 stars). 2 submissions from 2 submitters: Uncertain significance (2). Last evaluated 2024-11-18.

Allele frequency attached by ClinVar (database versions not stated): TOPMed 0.00002; gnomAD 0.00004 and 0.00007; ExAC 0.00009; 1000 Genomes Project 0.00040; 1000 Genomes Project 30x 0.00047.
gnomAD v4.1: 82 of 1,613,884 alleles (0.0051%); highest among the groups gnomAD compares: South Asian, 0.025%; no homozygotes.

Submissions (2):

Labcorp Genetics (formerly Invitae), Labcorp
Classification: Uncertain significance. Last evaluated: 2024-11-18. Review status: criteria provided, single submitter. Criteria: Invitae Variant Classification Sherloc (09022015). Collection method: clinical testing. Allele origin: germline.
Comment: This sequence change replaces glutamic acid, which is acidic and polar, with lysine, which is basic and polar, at codon 1642 of the HSPG2 protein (p.Glu1642Lys). This variant is present in population databases (rs528077703, gnomAD 0.03%). This variant has not been reported in the literature in individuals affected with HSPG2-related conditions. ClinVar contains an entry for this variant (Variation ID: 593103). An algorithm developed to predict the effect of missense changes on protein structure and function (PolyPhen-2) suggests that this variant is likely to be tolerated. In summary, the available evidence is currently insufficient to determine the role of this variant in disease. Therefore, it has been classified as a Variant of Uncertain Significance.

Eurofins Ntd Llc (ga)
Classification: Uncertain significance. Last evaluated: 2017-07-21. Review status: criteria provided, single submitter. Criteria: EGL Classification Definitions 2015. Collection method: clinical testing. Allele origin: germline. Observed: 1 variant allele, 1 heterozygote.